The following is an entry in ClinVar:

NM_000038.6(APC):c.3747C>A (p.Cys1249Ter)

Gene: APC (APC regulator of Wnt signaling pathway; plus strand). Cytogenetic location: 5q22.2.
Variant type: single nucleotide variant.
Coding change: c.3747C>A on transcript NM_000038.6 (MANE Select); coding-DNA position 3747, C replaced by A.
Protein change: p.Cys1249Ter; replaces cysteine 1249 with a stop codon.
Molecular consequence: nonsense.
Genome position (GRCh38, 1-based): chr5:112,839,341, C>A. VCF-style: chr5-112839341-C-A. GRCh37 (hg19) VCF-style: chr5-112175038-C-A.
Other names: c.3747C>A, p.Cys1249Ter (NM_001127510.3, NM_001354895.2); c.3693C>A, p.Cys1231Ter (NM_001127511.3); c.3801C>A, p.Cys1267Ter (NM_001354896.2); c.3777C>A, p.Cys1259Ter (NM_001354897.2); c.3672C>A, p.Cys1224Ter (NM_001354898.2); c.3663C>A, p.Cys1221Ter (NM_001354899.2); c.3624C>A, p.Cys1208Ter (NM_001354900.2); c.3570C>A, p.Cys1190Ter (NM_001354901.2); and 5 more; short protein forms C1089*, C1123*, C1148*, C1158*, C1190*, C1208*, C1221*, C1224*.
Identifiers: ClinVar variation 1343300 (VCV001343300.6), dbSNP rs2149898263, ClinGen allele CA16029552.

ClinVar aggregate classification (germline): Pathogenic. Review status: criteria provided, multiple submitters, no conflicts (2 of 4 stars). 3 submissions from 3 submitters: Pathogenic (2). 1 of the submissions does not count toward it. Last evaluated 2023-05-09.

Conditions:
Familial adenomatous polyposis 1 (FAP1). Also called: POLYPOSIS, ADENOMATOUS INTESTINAL; FAMILIAL ADENOMATOUS POLYPOSIS 1, ATTENUATED. Identifiers: MedGen C2713442, MONDO:0021056, OMIM 175100. Disease mechanism: loss of function.
Hepatoblastoma. Identifiers: Orphanet 449, MedGen C0206624, MONDO:0018666, HP:0002884.

Submissions (3):

Myriad Genetics, Inc.
Classification: Pathogenic for Familial adenomatous polyposis 1. Last evaluated: 2023-05-09. Review status: criteria provided, single submitter. Criteria: Myriad Autosomal Dominant, Autosomal Recessive and X-Linked Classification Criteria (2023). Collection method: clinical testing. Allele origin: unknown.
Comment: This variant is considered pathogenic. This variant creates a termination codon and is predicted to result in premature protein truncation.

Labcorp Genetics (formerly Invitae), Labcorp
Classification: Pathogenic for Familial adenomatous polyposis 1. Last evaluated: 2023-04-17. Review status: criteria provided, single submitter. Criteria: Invitae Variant Classification Sherloc (09022015). Collection method: clinical testing. Allele origin: germline.
Comment: A different truncation (p.Tyr2645Lysfs*14) that lies downstream of this variant has been determined to be pathogenic (PMID: 9824584, 1316610, 27081525, 8381579, 22135120, Invitae). This suggests that deletion of this region of the APC protein is causative of disease. This variant is expected to disrupt the EB1 and HDLG binding sites, which mediate interactions with the cytoskeleton (PMID: 15311282, 17293347). While functional studies have not been performed to directly test the effect on APC protein function, this suggests that disruption of the C-terminal portion of the protein is functionally important. For these reasons, this variant has been classified as Pathogenic. ClinVar contains an entry for this variant (Variation ID: 1343300). This premature translational stop signal has been observed in individual(s) with familial adenomatous polyposis (PMID: 1316610, 20685668, 35495172). This variant is not present in population databases (gnomAD no frequency). This sequence change creates a premature translational stop signal (p.Cys1249*) in the APC gene. While this is not anticipated to result in nonsense mediated decay, it is expected to disrupt the last 1595 amino acid(s) of the APC protein.

Molecular Oncology -  Human Genetics Lab, University of Sao Paulo
Classification: Uncertain significance for Hepatoblastoma. Review status: no assertion criteria provided. Collection method: research. Allele origin: germline. Affected: yes. Not counted in ClinVar's aggregate classification.

Literature cited by the submitters: PubMed 9824584 (cited by Labcorp Genetics (formerly Invitae), Labcorp); PubMed 1316610 (cited by Labcorp Genetics (formerly Invitae), Labcorp); PubMed 27081525 (cited by Labcorp Genetics (formerly Invitae), Labcorp); PubMed 8381579 (cited by Labcorp Genetics (formerly Invitae), Labcorp); PubMed 22135120 (cited by Labcorp Genetics (formerly Invitae), Labcorp); PubMed 15311282 (cited by Labcorp Genetics (formerly Invitae), Labcorp); PubMed 17293347 (cited by Labcorp Genetics (formerly Invitae), Labcorp); PubMed 20685668 (cited by Labcorp Genetics (formerly Invitae), Labcorp); PubMed 35495172 (cited by Labcorp Genetics (formerly Invitae), Labcorp).